The following is an entry in ClinVar:

ClinVar aggregate classification (germline): Benign/Likely benign. Review status: criteria provided, multiple submitters, no conflicts (2 of 4 stars). 4 submissions from 4 submitters: Benign (1); Likely benign (3). Last evaluated 2026-02-01.

Conditions:
Autosomal recessive early-onset Parkinson disease 6 (PARK6). Also called: PINK1-Related Parkinson Disease; PINK1 Type of Young-Onset Parkinson Disease; PARKINSON DISEASE 6, EARLY-ONSET; PARKINSON DISEASE 6, MODIFIER OF. Identifiers: Orphanet 2828, MedGen C1853833, MONDO:0011613, OMIM 605909.

Allele frequency attached by ClinVar (database versions not stated): TOPMed 0.00119; gnomAD exomes 0.00234; ExAC 0.00346; 1000 Genomes Project 30x 0.00515; 1000 Genomes Project 0.00559.
gnomAD v4.1: 962 of 1,579,854 alleles (0.061%); highest among the groups gnomAD compares: East Asian, 2%; 11 homozygotes.

Submissions (4):

Labcorp Genetics (formerly Invitae), Labcorp
Classification: Benign for Autosomal recessive early-onset Parkinson disease 6. Last evaluated: 2026-02-01. Review status: criteria provided, single submitter. Criteria: Invitae Variant Classification Sherloc (09022015). Collection method: clinical testing. Allele origin: germline.

GeneDx
Classification: Likely benign. Last evaluated: 2020-05-04. Review status: criteria provided, single submitter. Criteria: GeneDx Variant Classification Process June 2021. Collection method: clinical testing. Allele origin: germline. Affected: yes.

Illumina Laboratory Services, Illumina
Classification: Likely benign for Autosomal recessive early-onset Parkinson disease 6. Last evaluated: 2018-01-12. Review status: criteria provided, single submitter. Criteria: ICSL Variant Classification Criteria 13 December 2019. Collection method: clinical testing. Allele origin: germline.
Comment: This variant was observed in the ICSL laboratory as part of a predisposition screen in an ostensibly healthy population. It had not been previously curated by ICSL or reported in the Human Gene Mutation Database (HGMD: prior to June 1st, 2018), and was therefore a candidate for classification through an automated scoring system. Utilizing variant allele frequency, disease prevalence and penetrance estimates, and inheritance mode, an automated score was calculated to assess if this variant is too frequent to cause the disease. Based on the score and internal cut-off values, a variant classified as likely benign is not then subjected to further curation. The score for this variant resulted in a classification of likely benign for this disease.

Breakthrough Genomics
Classification: Likely benign. Review status: criteria provided, single submitter. Criteria: ACMG Guidelines, 2015. Collection method: not provided. Allele origin: germline. Inheritance: Autosomal recessive inheritance. Affected: yes.

NM_032409.3(PINK1):c.387+14G>A

Gene: PINK1 (PTEN induced kinase 1; plus strand). Cytogenetic location: 1p36.12.
Variant type: single nucleotide variant.
Coding change: c.387+14G>A on transcript NM_032409.3 (MANE Select); 14 bases into the intron after coding-DNA position 387, G replaced by A.
Molecular consequence: intron variant.
Genome position (GRCh38, 1-based): chr1:20,633,949, G>A. VCF-style: chr1-20633949-G-A. GRCh37 (hg19) VCF-style: chr1-20960442-G-A.
Identifiers: ClinVar variation 875807 (VCV000875807.15), dbSNP rs117438827, ClinGen allele CA660386.